The following is an entry in ClinVar:

ClinVar aggregate classification (germline): Conflicting classifications of pathogenicity. Review status: criteria provided, conflicting classifications (1 of 4 stars). 2 submissions from 2 submitters: Uncertain significance (1); Likely benign (1). Last evaluated 2024-10-23.

Allele frequency attached by ClinVar (database versions not stated): gnomAD 0.00001 and 0.00007; TOPMed 0.00002; gnomAD exomes 0.00015 and 0.00026; ExAC 0.00030; 1000 Genomes Project 30x 0.00031; 1000 Genomes Project 0.00040.
gnomAD v4.1: 222 of 1,609,278 alleles (0.014%); highest among the groups gnomAD compares: South Asian, 0.22%; 2 homozygotes.

Submissions (2):

Labcorp Genetics (formerly Invitae), Labcorp
Classification: Likely benign. Last evaluated: 2024-10-23. Review status: criteria provided, single submitter. Criteria: Invitae Variant Classification Sherloc (09022015). Collection method: clinical testing. Allele origin: germline.

GeneDx
Classification: Uncertain significance. Last evaluated: 2019-09-26. Review status: criteria provided, single submitter. Criteria: GeneDx Variant Classification Process June 2021. Collection method: clinical testing. Allele origin: germline. Affected: yes.
Comment: In silico analysis, which includes protein predictors and evolutionary conservation, supports that this variant does not alter protein structure/function; Has not been previously published as pathogenic or benign to our knowledge

NM_020401.4(NUP107):c.1178C>A (p.Thr393Lys)

Gene: NUP107 (nucleoporin 107; plus strand). Cytogenetic location: 12q15.
Variant type: single nucleotide variant.
Coding change: c.1178C>A on transcript NM_020401.4 (MANE Select); coding-DNA position 1178, C replaced by A.
Protein change: p.Thr393Lys; replaces threonine 393 with lysine.
Molecular consequence: missense variant.
Genome position (GRCh38, 1-based): chr12:68,719,581, C>A. VCF-style: chr12-68719581-C-A. GRCh37 (hg19) VCF-style: chr12-69113361-C-A.
Other names: c.1091C>A, p.Thr364Lys (NM_001330192.2); short protein forms T364K, T393K.
Identifiers: ClinVar variation 1320903 (VCV001320903.4), dbSNP rs539628480, ClinGen allele CA6677687.